The following is an entry in ClinVar:

ClinVar aggregate classification (germline): Uncertain significance (1 of 4 stars; one submission).

Submission:

GeneDx
Classification: Uncertain significance. Last evaluated: 2023-12-09. Review status: criteria provided, single submitter. Criteria: GeneDx Variant Classification Process June 2021. Collection method: clinical testing. Allele origin: germline. Affected: yes.
Comment: Not observed at significant frequency in large population cohorts (gnomAD); In silico analysis supports that this missense variant does not alter protein structure/function; Has not been previously published as pathogenic or benign to our knowledge

NM_017852.5(NLRP2):c.1317G>T (p.Gln439His)

Gene: NLRP2 (NLR family pyrin domain containing 2; plus strand). Cytogenetic location: 19q13.42.
Variant type: single nucleotide variant.
Coding change: c.1317G>T on transcript NM_017852.5 (MANE Select); coding-DNA position 1317, G replaced by T.
Protein change: p.Gln439His; replaces glutamine 439 with histidine.
Molecular consequence: missense variant. On other transcripts: non-coding transcript variant (1).
Genome position (GRCh38, 1-based): chr19:54,983,015, G>T. VCF-style: chr19-54983015-G-T. GRCh37 (hg19) VCF-style: chr19-55494383-G-T.
Other names: c.1317G>T, p.Gln439His (NM_001174081.3); c.1251G>T, p.Gln417His (NM_001174082.3); c.1248G>T, p.Gln416His (NM_001174083.2); c.1308G>T, p.Gln436His (NM_001348003.2); short protein forms Q416H, Q417H, Q436H, Q439H.
Identifiers: ClinVar variation 3253003 (VCV003253003.1), dbSNP rs2071722291.